The following is an entry in ClinVar:

ClinVar aggregate classification (germline): Uncertain significance (1 of 4 stars; one submission).

Allele frequency attached by ClinVar (database versions not stated): gnomAD exomes 0.00002; gnomAD 0.00003; TOPMed 0.00001.
gnomAD v4.1: 34 of 1,614,026 alleles (0.0021%); highest among the groups gnomAD compares: Non-Finnish European, 0.0026%; no homozygotes.

Submission:

Ambry Genetics
Classification: Uncertain significance. Last evaluated: 2024-11-23. Review status: criteria provided, single submitter. Criteria: Ambry Variant Classification Scheme 2023. Collection method: clinical testing. Allele origin: germline.
Comment: The p.R1331Q variant (also known as c.3992G>A), located in coding exon 14 of the CDK12 gene, results from a G to A substitution at nucleotide position 3992. The arginine at codon 1331 is replaced by glutamine, an amino acid with highly similar properties. This amino acid position is conserved. In addition, this alteration is predicted to be tolerated by in silico analysis. Based on the available evidence, the clinical significance of this variant remains unclear.

NM_016507.4(CDK12):c.3992G>A (p.Arg1331Gln)

Gene: CDK12 (cyclin dependent kinase 12; plus strand). Cytogenetic location: 17q12.
Variant type: single nucleotide variant.
Coding change: c.3992G>A on transcript NM_016507.4 (MANE Select); coding-DNA position 3992, G replaced by A.
Protein change: p.Arg1331Gln; replaces arginine 1331 with glutamine.
Molecular consequence: missense variant.
Genome position (GRCh38, 1-based): chr17:39,530,835, G>A. VCF-style: chr17-39530835-G-A. GRCh37 (hg19) VCF-style: chr17-37687088-G-A.
Other names: c.3965G>A, p.Arg1322Gln (NM_015083.4); short protein forms R1322Q, R1331Q.
Identifiers: ClinVar variation 2321745 (VCV002321745.3), dbSNP rs543570439, ClinGen allele CA290403129.